The following is an entry in ClinVar:

NM_001447.3(FAT2):c.8982G>A (p.Ser2994=)

Genes: FAT2 (FAT atypical cadherin 2; minus strand), SLC36A1 (solute carrier family 36 member 1; plus strand). Cytogenetic location: 5q33.1.
Variant type: single nucleotide variant.
Coding change: c.8982G>A on transcript NM_001447.3 (MANE Select); coding-DNA position 8982, G replaced by A.
Protein change: p.Ser2994=; no amino-acid change (serine 2994 retained).
Molecular consequence: synonymous variant.
Genome position (GRCh38, 1-based): chr5:151,540,624, C>T on the plus strand (G>A on the coding strand, the complement: FAT2 is on the minus strand). VCF-style: chr5-151540624-C-T. GRCh37 (hg19) VCF-style: chr5-150920185-C-T.
Identifiers: ClinVar variation 2885134 (VCV002885134.18), dbSNP rs200469726, ClinGen allele CA3520701.

ClinVar aggregate classification (germline): Likely benign. Review status: criteria provided, multiple submitters, no conflicts (2 of 4 stars). 3 submissions from 3 submitters: Likely benign (3). Last evaluated 2025-10-23.

Allele frequency attached by ClinVar (database versions not stated): ExAC 0.00002; gnomAD 0.00004; 1000 Genomes Project 30x 0.00016; 1000 Genomes Project 0.00020.
gnomAD v4.1: 33 of 1,614,116 alleles (0.002%); highest among the groups gnomAD compares: Admixed American, 0.01%; 1 homozygote.

Submissions (3):

Labcorp Genetics (formerly Invitae), Labcorp
Classification: Likely benign. Last evaluated: 2025-10-23. Review status: criteria provided, single submitter. Criteria: Invitae Variant Classification Sherloc (09022015). Collection method: clinical testing. Allele origin: germline.

CeGaT Center for Human Genetics Tuebingen
Classification: Likely benign. Last evaluated: 2024-09-01. Review status: criteria provided, single submitter. Criteria: CeGaT Center For Human Genetics Tuebingen Variant Classification Criteria Version 2. Collection method: clinical testing. Allele origin: germline. Affected: yes. Observed: 1 variant allele.
Comment: FAT2: BP4, BP7

Blueprint Genetics
Classification: Likely benign. Last evaluated: 2024-03-19. Review status: criteria provided, single submitter. Criteria: ACMG Guidelines, 2015. Collection method: clinical testing. Allele origin: germline.